The following is an entry in ClinVar:

ClinVar aggregate classification (germline): Uncertain significance. Review status: criteria provided, multiple submitters, no conflicts (2 of 4 stars). 2 submissions from 2 submitters: Uncertain significance (2). Last evaluated 2023-12-14.

Conditions:
Inborn genetic diseases. Identifiers: MedGen C0950123, MeSH D030342.

Allele frequency attached by ClinVar (database versions not stated): ExAC 0.00003; TOPMed 0.00003; gnomAD 0.00005; 1000 Genomes Project 0.00040; 1000 Genomes Project 30x 0.00047.
gnomAD v4.1: 62 of 1,613,694 alleles (0.0038%); highest among the groups gnomAD compares: African/African-American, 0.011%; no homozygotes.

Submissions (2):

Ambry Genetics
Classification: Uncertain significance for Inborn genetic diseases. Last evaluated: 2023-12-14. Review status: criteria provided, single submitter. Criteria: Ambry Variant Classification Scheme 2023. Collection method: clinical testing. Allele origin: germline.

Labcorp Genetics (formerly Invitae), Labcorp
Classification: Uncertain significance. Last evaluated: 2022-08-20. Review status: criteria provided, single submitter. Criteria: Invitae Variant Classification Sherloc (09022015). Collection method: clinical testing. Allele origin: germline.
Comment: This sequence change replaces arginine, which is basic and polar, with histidine, which is basic and polar, at codon 242 of the LTBP2 protein (p.Arg242His). This variant is present in population databases (rs201950933, gnomAD 0.008%). This variant has not been reported in the literature in individuals affected with LTBP2-related conditions. Algorithms developed to predict the effect of missense changes on protein structure and function output the following: SIFT: "Tolerated"; PolyPhen-2: "Benign"; Align-GVGD: "Class C0". The histidine amino acid residue is found in multiple mammalian species, which suggests that this missense change does not adversely affect protein function. In summary, the available evidence is currently insufficient to determine the role of this variant in disease. Therefore, it has been classified as a Variant of Uncertain Significance.

NM_000428.3(LTBP2):c.725G>A (p.Arg242His)

Gene: LTBP2 (latent transforming growth factor beta binding protein 2; minus strand). Cytogenetic location: 14q24.3.
Variant type: single nucleotide variant.
Coding change: c.725G>A on transcript NM_000428.3 (MANE Select); coding-DNA position 725, G replaced by A.
Protein change: p.Arg242His; replaces arginine 242 with histidine.
Molecular consequence: missense variant.
Genome position (GRCh38, 1-based): chr14:74,585,959, C>T on the plus strand (G>A on the coding strand, the complement: LTBP2 is on the minus strand). VCF-style: chr14-74585959-C-T. GRCh37 (hg19) VCF-style: chr14-75052662-C-T.
Other names: c.725G>A (NM_000428.2); short protein forms R242H.
Identifiers: ClinVar variation 2183434 (VCV002183434.2), dbSNP rs201950933, ClinGen allele CA7270110.